The following is an entry in ClinVar:

ClinVar aggregate classification (germline): Uncertain significance (1 of 4 stars; one submission).

Conditions:
Hereditary cancer-predisposing syndrome. Also called: Neoplastic Syndromes, Hereditary; Tumor predisposition; Hereditary neoplastic syndrome; Hereditary Cancer Syndrome. Identifiers: Orphanet 140162, MedGen C0027672, MeSH D009386, MONDO:0015356.

Submission:

Ambry Genetics
Classification: Uncertain significance for Hereditary cancer-predisposing syndrome. Last evaluated: 2024-01-05. Review status: criteria provided, single submitter. Criteria: Ambry Variant Classification Scheme 2023. Collection method: clinical testing. Allele origin: germline.
Comment: The p.T454A variant (also known as c.1360A>G) is located in coding exon 14 of the POLE gene. The threonine at codon 454 is replaced by alanine, an amino acid with similar properties. This change occurs in the first base pair of coding exon 14. This amino acid position is highly conserved in available vertebrate species. In addition, the in silico prediction for this alteration is inconclusive. Since supporting evidence is limited at this time, the clinical significance of this alteration remains unclear.

NM_006231.4(POLE):c.1360A>G (p.Thr454Ala)

Gene: POLE (DNA polymerase epsilon, catalytic subunit; minus strand). Cytogenetic location: 12q24.33.
Variant type: single nucleotide variant.
Coding change: c.1360A>G on transcript NM_006231.4 (MANE Select); coding-DNA position 1360, A replaced by G.
Protein change: p.Thr454Ala; replaces threonine 454 with alanine.
Molecular consequence: missense variant.
Genome position (GRCh38, 1-based): chr12:132,673,277, T>C on the plus strand (A>G on the coding strand, the complement: POLE is on the minus strand). VCF-style: chr12-132673277-T-C. GRCh37 (hg19) VCF-style: chr12-133249863-T-C.
Other names: short protein forms T454A.
Identifiers: ClinVar variation 3225387 (VCV003225387.1), dbSNP rs2135997121, ClinGen allele CA387358884.